The following is an entry in ClinVar:

NM_004260.4(RECQL4):c.157G>A (p.Gly53Ser)

Genes: RECQL4 (RecQ like helicase 4; minus strand), LOC130001411 (ATAC-STARR-seq lymphoblastoid silent region 19699; plus strand). Cytogenetic location: 8q24.3.
Variant type: single nucleotide variant.
Coding change: c.157G>A on transcript NM_004260.4 (MANE Select); coding-DNA position 157, G replaced by A.
Protein change: p.Gly53Ser; replaces glycine 53 with serine.
Molecular consequence: missense variant.
Genome position (GRCh38, 1-based): chr8:144,517,470, C>T on the plus strand (G>A on the coding strand, the complement: RECQL4 is on the minus strand). VCF-style: chr8-144517470-C-T. GRCh37 (hg19) VCF-style: chr8-145742854-C-T.
Other names: short protein forms G53S.
Identifiers: ClinVar variation 651586 (VCV000651586.8), dbSNP rs1171989536, ClinGen allele CA372692676.

ClinVar aggregate classification (germline): Uncertain significance. Review status: criteria provided, multiple submitters, no conflicts (2 of 4 stars). 3 submissions from 3 submitters: Uncertain significance (3). Last evaluated 2025-11-10.

Conditions:
Baller-Gerold syndrome (BGS). Also called: CRANIOSYNOSTOSIS WITH RADIAL DEFECTS. Identifiers: Orphanet 1225, MedGen C0265308, MONDO:0009039, OMIM 218600.
Inborn genetic diseases. Identifiers: MedGen C0950123, MeSH D030342.

Allele frequency attached by ClinVar (database versions not stated): gnomAD exomes below 0.00001.
gnomAD v4.1: 5 of 1,596,628 alleles (0.00031%); highest among the groups gnomAD compares: Non-Finnish European, 0.00043%; no homozygotes.

Submissions (3):

Ambry Genetics
Classification: Uncertain significance for Inborn genetic diseases. Last evaluated: 2025-11-10. Review status: criteria provided, single submitter. Criteria: Ambry Variant Classification Scheme 2023. Collection method: clinical testing. Allele origin: germline.
Comment: The p.G53S variant (also known as c.157G>A), located in coding exon 3 of the RECQL4 gene, results from a G to A substitution at nucleotide position 157. The glycine at codon 53 is replaced by serine, an amino acid with similar properties. This amino acid position is conserved. In addition, this alteration is predicted to be tolerated by in silico analysis. Based on the available evidence, the clinical significance of this variant remains unclear.

Dasa
Classification: Uncertain significance. Last evaluated: 2025-02-18. Review status: criteria provided, single submitter. Criteria: DASA Assertion Criteria. Collection method: clinical testing. Allele origin: germline.
Comment: NM_004260.4(RECQL4):c.157G>A (p.Gly53Ser) is a missense variant that results in the substitution of glycine with serine. This variant is rare in population databases. The currently available literature and clinical evidence are not sufficient to establish a definitive association between this variant and the reported condition. Therefore, this variant is classified as a variant of uncertain significance.

Labcorp Genetics (formerly Invitae), Labcorp
Classification: Uncertain significance for Baller-Gerold syndrome. Last evaluated: 2023-12-30. Review status: criteria provided, single submitter. Criteria: Invitae Variant Classification Sherloc (09022015). Collection method: clinical testing. Allele origin: germline.
Comment: This sequence change replaces glycine, which is neutral and non-polar, with serine, which is neutral and polar, at codon 53 of the RECQL4 protein (p.Gly53Ser). The frequency data for this variant in the population databases is considered unreliable, as metrics indicate poor data quality at this position in the gnomAD database. This variant has not been reported in the literature in individuals affected with RECQL4-related conditions. ClinVar contains an entry for this variant (Variation ID: 651586). Algorithms developed to predict the effect of missense changes on protein structure and function output the following: SIFT: "Not Available"; PolyPhen-2: "Not Available"; Align-GVGD: "Not Available". The serine amino acid residue is found in multiple mammalian species, which suggests that this missense change does not adversely affect protein function. In summary, the available evidence is currently insufficient to determine the role of this variant in disease. Therefore, it has been classified as a Variant of Uncertain Significance.